The following is an entry in ClinVar:

ClinVar aggregate classification (germline): Benign/Likely benign. Review status: criteria provided, multiple submitters, no conflicts (2 of 4 stars). 7 submissions from 7 submitters: Benign (1); Likely benign (6). Last evaluated 2026-05-01.

Conditions:
Primary ciliary dyskinesia 23 (CILD23). Also called: CILIARY DYSKINESIA, PRIMARY, 23, WITH OR WITHOUT SITUS INVERSUS. Identifiers: Orphanet 244, MedGen C3809548, MONDO:0014193, OMIM 615451.
Primary ciliary dyskinesia. Also called: Ciliary dyskinesia. Identifiers: Orphanet 244, MedGen C0008780, MONDO:0016575, HP:0012265.

Allele frequency attached by ClinVar (database versions not stated): 1000 Genomes Project 0.00140; 1000 Genomes Project 30x 0.00187; gnomAD 0.00371 and 0.00375; ExAC 0.00375; TOPMed 0.00377; gnomAD exomes 0.00391 and 0.00575; ESP Exome Variant Server 0.00469.
gnomAD v4.1: 8,860 of 1,613,904 alleles (0.55%); highest among the groups gnomAD compares: Non-Finnish European, 0.69%; 36 homozygotes.

Submissions (7):

CeGaT Center for Human Genetics Tuebingen
Classification: Likely benign. Last evaluated: 2026-05-01. Review status: criteria provided, single submitter. Criteria: CeGaT Center For Human Genetics Tuebingen Variant Classification Criteria Version 2. Collection method: clinical testing. Allele origin: germline. Affected: yes. Observed: 5 variant alleles.
Comment: ODAD2: BP4, BP7, BS2

Labcorp Genetics (formerly Invitae), Labcorp
Classification: Benign for Primary ciliary dyskinesia 23. Last evaluated: 2026-02-03. Review status: criteria provided, single submitter. Criteria: Invitae Variant Classification Sherloc (09022015). Collection method: clinical testing. Allele origin: germline.

Mayo Clinic Laboratories, Mayo Clinic
Classification: Likely benign. Last evaluated: 2025-03-18. Review status: criteria provided, single submitter. Criteria: ACMG Guidelines, 2015. Collection method: clinical testing. Allele origin: germline. Observed: 2 variant alleles.
Comment: BS1, BS2_supporting, BP4, BP7

Blueprint Genetics
Classification: Likely benign. Last evaluated: 2024-11-21. Review status: criteria provided, single submitter. Criteria: ACMG Guidelines, 2015. Collection method: clinical testing. Allele origin: germline.

GeneDx
Classification: Likely benign. Last evaluated: 2020-03-03. Review status: criteria provided, single submitter. Criteria: GeneDx Variant Classification Process June 2021. Collection method: clinical testing. Allele origin: germline. Affected: yes.

Ambry Genetics
Classification: Likely benign for Primary ciliary dyskinesia. Last evaluated: 2016-07-27. Review status: criteria provided, single submitter. Criteria: Ambry Variant Classification Scheme 2023. Collection method: clinical testing. Allele origin: germline.

Breakthrough Genomics
Classification: Likely benign. Review status: criteria provided, single submitter. Criteria: ACMG Guidelines, 2015. Collection method: not provided. Allele origin: germline. Inheritance: Autosomal recessive inheritance. Affected: yes.

NM_018076.5(ODAD2):c.1017C>T (p.Leu339=)

Gene: ODAD2 (outer dynein arm docking complex subunit 2; minus strand). Cytogenetic location: 10p12.1.
Variant type: single nucleotide variant.
Coding change: c.1017C>T on transcript NM_018076.5 (MANE Select); coding-DNA position 1017, C replaced by T.
Protein change: p.Leu339=; no amino-acid change (leucine 339 retained).
Molecular consequence: synonymous variant. On other transcripts: intron variant (1).
Genome position (GRCh38, 1-based): chr10:27,971,233, G>A on the plus strand (C>T on the coding strand, the complement: ODAD2 is on the minus strand). VCF-style: chr10-27971233-G-A. GRCh37 (hg19) VCF-style: chr10-28260162-G-A.
Other names: p.Leu339=; c.1017C>T, p.Leu339= (NM_001290020.2); c.93C>T, p.Leu31= (NM_001312689.2); c.-187-9518C>T (NM_001290021.2).
Identifiers: ClinVar variation 241254 (VCV000241254.41), dbSNP rs117723546, ClinGen allele CA5453652.